The following is an entry in ClinVar:

ClinVar aggregate classification (germline): Uncertain significance (1 of 4 stars; one submission).

Allele frequency attached by ClinVar (database versions not stated): gnomAD 0.00003; gnomAD exomes 0.00005; TOPMed 0.00008; ExAC 0.00010.
gnomAD v4.1: 79 of 1,580,854 alleles (0.005%); highest among the groups gnomAD compares: Admixed American, 0.0074%; 1 homozygote.

Submission:

Labcorp Genetics (formerly Invitae), Labcorp
Classification: Uncertain significance. Last evaluated: 2025-06-16. Review status: criteria provided, single submitter. Criteria: Invitae Variant Classification Sherloc (09022015). Collection method: clinical testing. Allele origin: germline.
Comment: This sequence change replaces serine, which is neutral and polar, with tyrosine, which is neutral and polar, at codon 639 of the TNS2 protein (p.Ser639Tyr). This variant is present in population databases (rs760712868, gnomAD 0.02%). This variant has not been reported in the literature in individuals affected with TNS2-related conditions. ClinVar contains an entry for this variant (Variation ID: 2149512). An algorithm developed to predict the effect of missense changes on protein structure and function (PolyPhen-2) suggests that this variant is likely to be tolerated. In summary, the available evidence is currently insufficient to determine the role of this variant in disease. Therefore, it has been classified as a Variant of Uncertain Significance.

NM_170754.4(TNS2):c.1886C>A (p.Ser629Tyr)

Gene: TNS2 (tensin 2; plus strand). Cytogenetic location: 12q13.13.
Variant type: single nucleotide variant.
Coding change: c.1886C>A on transcript NM_170754.4 (MANE Select); coding-DNA position 1886, C replaced by A.
Protein change: p.Ser629Tyr; replaces serine 629 with tyrosine.
Molecular consequence: missense variant.
Genome position (GRCh38, 1-based): chr12:53,059,527, C>A. VCF-style: chr12-53059527-C-A. GRCh37 (hg19) VCF-style: chr12-53453311-C-A.
Other names: c.1886C>A, p.Ser629Tyr (NM_001416202.1); c.1844C>A, p.Ser615Tyr (NM_001416203.1); c.1913C>A, p.Ser638Tyr (NM_001416204.1); c.1817C>A, p.Ser606Tyr (NM_015319.3); c.1514C>A, p.Ser505Tyr (NM_198316.2); short protein forms S505Y, S629Y, S639Y, S606Y, S615Y, S638Y.
Identifiers: ClinVar variation 2149512 (VCV002149512.4), dbSNP rs760712868, ClinGen allele CA6592468.